The following is an entry in ClinVar:

NM_001375834.1(WIPF1):c.267_287dup (p.Gly90_Gly96dup)

Genes: WIPF1 (WAS/WASL interacting protein family member 1; minus strand), WIPF1-AS1 (WIPF1 and CHRNA1 antisense RNA 1; plus strand). Cytogenetic location: 2q31.1.
Variant type: Duplication.
Coding change: c.267_287dup on transcript NM_001375834.1 (MANE Select); coding-DNA positions 267 to 287, 21 bases duplicated (TGGAAGTTTTGGAGGGGGCGG).
Protein change: p.Gly90_Gly96dup.
Molecular consequence: inframe insertion. On other transcripts: intron variant (1).
Genome position (GRCh38, 1-based): chr2:174,575,275-174,575,295, CCGCCCCCTCCAAAACTTCCA duplicated on the plus strand (TGGAAGTTTTGGAGGGGGCGG on the coding strand, the reverse complement: WIPF1 is on the minus strand); duplicating any 21 consecutive bases within chr2:174,575,275-174,575,300 gives the same sequence; the c. name uses the placement nearest the transcript's 3' end. VCF-style (leftmost placement, unchanged base first): chr2-174575274-T-TCCGCCCCCTCCAAAACTTCCA. GRCh37 (hg19) VCF-style: chr2-175440002-T-TCCGCCCCCTCCAAAACTTCCA.
Other names: c.267_287dup, p.Gly90_Gly96dup (NM_001077269.1, NM_001375832.1, NM_001375833.1 and 5 more transcripts); c.182-3050_182-3030dup (NM_001375839.1).
Identifiers: ClinVar variation 1499732 (VCV001499732.6), dbSNP rs760752697, ClinGen allele CA1974174.

ClinVar aggregate classification (germline): Uncertain significance (1 of 4 stars; one submission).

Conditions:
Wiskott-Aldrich syndrome 2 (WAS2). Also called: WIPF1 DEFICIENCY. Identifiers: Orphanet 906, MedGen C3281001, MONDO:0013779, OMIM 614493.

Submission:

Labcorp Genetics (formerly Invitae), Labcorp
Classification: Uncertain significance for Wiskott-Aldrich syndrome 2. Last evaluated: 2024-07-30. Review status: criteria provided, single submitter. Criteria: Invitae Variant Classification Sherloc (09022015). Collection method: clinical testing. Allele origin: germline.
Comment: This variant, c.267_287dup, results in the insertion of 7 amino acid(s) of the WIPF1 protein (p.Gly90_Gly96dup), but otherwise preserves the integrity of the reading frame. This variant is present in population databases (rs760752697, gnomAD 0.02%). This variant has not been reported in the literature in individuals affected with WIPF1-related conditions. ClinVar contains an entry for this variant (Variation ID: 1499732). In summary, the available evidence is currently insufficient to determine the role of this variant in disease. Therefore, it has been classified as a Variant of Uncertain Significance.